The following is an entry in ClinVar:

ClinVar aggregate classification (germline): Pathogenic (1 of 4 stars; one submission).

Conditions:
H syndrome. Also called: Asrar Facharzt Haque syndrome; Histiocytosis with joint contractures and sensorineural deafness; Pigmented hypertrichosis and insulin-dependent diabetes mellitus; ROSAI-DORFMAN DISEASE, FAMILIAL; SINUS HISTIOCYTOSIS AND MASSIVE LYMPHADENOPATHY; Hyperpigmentation, Cutaneous, with Hypertrichosis, Hepatosplenomegaly, Heart Anomalies, Hearing Loss, and Hypogonadism. Identifiers: Orphanet 168569, MedGen C1864445, MONDO:0011273, OMIM 602782.

Allele frequency attached by ClinVar (database versions not stated): gnomAD exomes below 0.00001.

Submission:

Labcorp Genetics (formerly Invitae), Labcorp
Classification: Pathogenic for H syndrome. Last evaluated: 2022-02-09. Review status: criteria provided, single submitter. Criteria: Invitae Variant Classification Sherloc (09022015). Collection method: clinical testing. Allele origin: germline.
Comment: This variant has not been reported in the literature in individuals affected with SLC29A3-related conditions. For these reasons, this variant has been classified as Pathogenic. This variant is not present in population databases (gnomAD no frequency). This sequence change creates a premature translational stop signal (p.Leu36Alafs*61) in the SLC29A3 gene. It is expected to result in an absent or disrupted protein product. Loss-of-function variants in SLC29A3 are known to be pathogenic (PMID: 19336477, 20595384, 23406517, 25963354).

Literature cited by the submitters: PubMed 19336477; PubMed 20595384; PubMed 23406517; PubMed 25963354.

NM_018344.6(SLC29A3):c.101_104dup (p.Leu36fs)

Gene: SLC29A3 (solute carrier family 29 member 3; plus strand). Cytogenetic location: 10q22.1.
Variant type: Duplication.
Coding change: c.101_104dup on transcript NM_018344.6 (MANE Select); coding-DNA positions 101 to 104, 4 bases duplicated (AGCT; older notation c.101_104dupAGCT).
Protein change: p.Leu36fs; shifts the reading frame from leucine 36.
Molecular consequence: frameshift variant. On other transcripts: 5 prime UTR variant (1), non-coding transcript variant (2).
Genome position (GRCh38, 1-based): chr10:71,322,855-71,322,858, AGCT duplicated. VCF-style (leftmost placement, unchanged base first): chr10-71322854-A-AAGCT. GRCh37 (hg19) VCF-style: chr10-73082611-A-AAGCT.
Other names: c.101_104dup, p.Leu36fs (NM_001174098.2); c.-134_-131dup (NM_001363518.2); short protein forms L36fs.
Identifiers: ClinVar variation 1366169 (VCV001366169.6), dbSNP rs2131796660, ClinGen allele CA2573145406.